The following is an entry in ClinVar:

NM_025114.4(CEP290):c.739G>A (p.Val247Ile)

Gene: CEP290 (centrosomal protein 290; minus strand). Cytogenetic location: 12q21.32.
Variant type: single nucleotide variant.
Coding change: c.739G>A on transcript NM_025114.4 (MANE Select); coding-DNA position 739, G replaced by A.
Protein change: p.Val247Ile; replaces valine 247 with isoleucine.
Molecular consequence: missense variant.
Genome position (GRCh38, 1-based): chr12:88,129,807, C>T on the plus strand (G>A on the coding strand, the complement: CEP290 is on the minus strand). VCF-style: chr12-88129807-C-T. GRCh37 (hg19) VCF-style: chr12-88523584-C-T.
Other names: short protein forms V247I.
Identifiers: ClinVar variation 1308499 (VCV001308499.7), dbSNP rs1409885182, ClinGen allele CA385985537.

ClinVar aggregate classification (germline): Uncertain significance. Review status: criteria provided, multiple submitters, no conflicts (2 of 4 stars). 5 submissions from 5 submitters: Uncertain significance (5). Last evaluated 2022-07-30.

Conditions:
Inborn genetic diseases. Identifiers: MedGen C0950123, MeSH D030342.
Joubert syndrome. Also called: JOUBERT-BOLTSHAUSER SYNDROME; Familial aplasia of the vermis. Identifiers: Orphanet 475, MedGen C5979921, MONDO:0018772.
Meckel-Gruber syndrome. Also called: Dysencephalia splachnocystica; GRUBER SYNDROME; DYSENCEPHALIA SPLANCHNOCYSTICA. Identifiers: Orphanet 564, MedGen C0265215, MONDO:0018921.
Nephronophthisis. Also called: Juvenile Nephronophthisis. Identifiers: Orphanet 655, MedGen C0687120, MONDO:0019005, HP:0000090.
Senior-Loken syndrome 6 (SLSN6). Identifiers: Orphanet 3156, MedGen C1857779, MONDO:0012433, OMIM 610189.
Joubert syndrome 5 (JBTS5). Identifiers: Orphanet 2318, MedGen C1857780, MONDO:0012432, OMIM 610188.
Meckel syndrome, type 4 (MKS4). Also called: MECKEL-GRUBER SYNDROME, TYPE 4. Identifiers: Orphanet 564, MedGen C1970161, MONDO:0012626, OMIM 611134.
Leber congenital amaurosis 10 (LCA10). Identifiers: Orphanet 65, MedGen C1857821, MONDO:0012723, OMIM 611755.
Bardet-Biedl syndrome 14 (BBS14). Identifiers: Orphanet 110, MedGen C2673874, MONDO:0014442, OMIM 615991.

Allele frequency attached by ClinVar (database versions not stated): gnomAD exomes 0.00001 and 0.00002; gnomAD 0.00002; TOPMed 0.00002.
gnomAD v4.1: 14 of 1,468,710 alleles (0.00095%); highest among the groups gnomAD compares: East Asian, 0.016%; no homozygotes.

Submissions (5):

Labcorp Genetics (formerly Invitae), Labcorp
Classification: Uncertain significance for Joubert syndrome; Meckel-Gruber syndrome; Nephronophthisis. Last evaluated: 2022-07-30. Review status: criteria provided, single submitter. Criteria: Invitae Variant Classification Sherloc (09022015). Collection method: clinical testing. Allele origin: germline.
Comment: This sequence change replaces valine, which is neutral and non-polar, with isoleucine, which is neutral and non-polar, at codon 247 of the CEP290 protein (p.Val247Ile). This variant is present in population databases (no rsID available, gnomAD 0.04%). This variant has not been reported in the literature in individuals affected with CEP290-related conditions. ClinVar contains an entry for this variant (Variation ID: 1308499). Algorithms developed to predict the effect of missense changes on protein structure and function output the following: SIFT: "Tolerated"; PolyPhen-2: "Benign"; Align-GVGD: "Class C0". The isoleucine amino acid residue is found in multiple mammalian species, which suggests that this missense change does not adversely affect protein function. In summary, the available evidence is currently insufficient to determine the role of this variant in disease. Therefore, it has been classified as a Variant of Uncertain Significance.

Fulgent Genetics
Classification: Uncertain significance for Joubert syndrome 5; Senior-Loken syndrome 6; Meckel syndrome, type 4; Leber congenital amaurosis 10; Bardet-Biedl syndrome 14. Last evaluated: 2022-03-10. Review status: criteria provided, single submitter. Criteria: ACMG Guidelines, 2015. Collection method: clinical testing. Allele origin: unknown.

Ambry Genetics
Classification: Uncertain significance for Inborn genetic diseases. Last evaluated: 2021-08-02. Review status: criteria provided, single submitter. Criteria: Ambry Variant Classification Scheme 2023. Collection method: clinical testing. Allele origin: germline.

Blueprint Genetics
Classification: Uncertain significance. Last evaluated: 2021-07-16. Review status: criteria provided, single submitter. Criteria: ACMG Guidelines, 2015. Collection method: clinical testing. Allele origin: germline.

GeneDx
Classification: Uncertain significance. Last evaluated: 2019-04-09. Review status: criteria provided, single submitter. Criteria: GeneDx Variant Classification Process June 2021. Collection method: clinical testing. Allele origin: germline. Affected: yes.
Comment: In silico analysis, which includes protein predictors and evolutionary conservation, supports that this variant does not alter protein structure/function; Has not been previously published as pathogenic or benign to our knowledge